The following is an entry in ClinVar:

NM_005097.4(LGI1):c.953T>C (p.Phe318Ser)

Gene: LGI1 (leucine rich glioma inactivated 1; plus strand). Cytogenetic location: 10q23.33.
Variant type: single nucleotide variant.
Coding change: c.953T>C on transcript NM_005097.4 (MANE Select); coding-DNA position 953, T replaced by C.
Protein change: p.Phe318Ser; replaces phenylalanine 318 with serine.
Molecular consequence: missense variant. On other transcripts: non-coding transcript variant (1), intron variant (1).
Genome position (GRCh38, 1-based): chr10:93,797,082, T>C. VCF-style: chr10-93797082-T-C. GRCh37 (hg19) VCF-style: chr10-95556839-T-C.
Other names: c.809T>C, p.Phe270Ser (NM_001308276.2); c.839-667T>C (NM_001308275.2); short protein forms F270S, F318S.
Identifiers: ClinVar variation 3383206 (VCV003383206.2).

ClinVar aggregate classification (germline): Likely pathogenic (1 of 4 stars; one submission).

Conditions:
Epilepsy, familial temporal lobe, 1. Identifiers: Orphanet 101046, MedGen CN030884, MONDO:0700090, OMIM 600512.

Submission:

Juno Genomics, Hangzhou Juno Genomics, Inc
Classification: Likely pathogenic for Epilepsy, familial temporal lobe, 1. Review status: criteria provided, single submitter. Criteria: ACMG Guidelines, 2015. Collection method: clinical testing. Allele origin: germline. Affected: yes.
Comment: Absent from controls (or at extremely low frequency if recessive) in Genome Aggregation Database, Exome Sequencing Project, 1000 Genomes Project, or Exome Aggregation Consortium.;Novel missense change at an amino acid residue where a different missense change determined to be pathogenic has been seen before.;Multiple lines of computational evidence support a deleterious effect on the gene or gene product (conservation, evolutionary, splicing impact, etc).